The following is an entry in ClinVar:

ClinVar aggregate classification (germline): Uncertain significance (1 of 4 stars; one submission).

Submission:

Labcorp Genetics (formerly Invitae), Labcorp
Classification: Uncertain significance. Last evaluated: 2022-07-15. Review status: criteria provided, single submitter. Criteria: Invitae Variant Classification Sherloc (09022015). Collection method: clinical testing. Allele origin: germline.
Comment: In summary, the available evidence is currently insufficient to determine the role of this variant in disease. Therefore, it has been classified as a Variant of Uncertain Significance. This variant has not been reported in the literature in individuals affected with RCBTB1-related conditions. This variant results in a copy number gain of the genomic region encompassing exon(s) 3-5 of the RCBTB1 gene. This region includes the initiator codon of the gene. This copy number gain extends beyond the assayed region for this gene and therefore may encompass additional genes. As the precise location of this event is unknown, it may be in tandem or it may be located elsewhere in the genome.

NC_000013.10:g.(?_50134034)_(50141415_?)dup

Gene: RCBTB1 (RCC1 and BTB domain containing protein 1; minus strand). Cytogenetic location: 13q14.2.
Variant type: Duplication.
Identifiers: ClinVar variation 1412146 (VCV001412146.5).